The following is an entry in ClinVar:

NM_001134407.3(GRIN2A):c.92C>G (p.Pro31Arg)

Gene: GRIN2A (glutamate ionotropic receptor NMDA type subunit 2A; minus strand). Cytogenetic location: 16p13.2.
Variant type: single nucleotide variant.
Coding change: c.92C>G on transcript NM_001134407.3 (MANE Select); coding-DNA position 92, C replaced by G.
Protein change: p.Pro31Arg; replaces proline 31 with arginine.
Molecular consequence: missense variant.
Genome position (GRCh38, 1-based): chr16:10,180,320, G>C on the plus strand (C>G on the coding strand, the complement: GRIN2A is on the minus strand). VCF-style: chr16-10180320-G-C. GRCh37 (hg19) VCF-style: chr16-10274177-G-C.
Other names: c.92C>G, p.Pro31Arg (NM_000833.5, NM_001134408.2); c.92C>G (NM_000833.3); short protein forms P31R.
Identifiers: ClinVar variation 3242071 (VCV003242071.2), dbSNP rs2050239798.

ClinVar aggregate classification (germline): Uncertain significance. Review status: criteria provided, multiple submitters, no conflicts (2 of 4 stars). 2 submissions from 2 submitters: Uncertain significance (2). Last evaluated 2025-11-23.

Conditions:
Landau-Kleffner syndrome (FESD). Also called: EPILEPSY, FOCAL, WITH SPEECH DISORDER AND WITH OR WITHOUT MENTAL RETARDATION; APHASIA, ACQUIRED, WITH EPILEPSY. Identifiers: Orphanet 1945, Orphanet 725, Orphanet 98818, MedGen C0282512, MONDO:0009509, OMIM 245570.
Inborn genetic diseases. Identifiers: MedGen C0950123, MeSH D030342.

gnomAD v4.1: 1 of 1,610,732 alleles (0.000062%); highest among the groups gnomAD compares: South Asian, 0.0011%; no homozygotes.

Submissions (2):

Ambry Genetics
Classification: Uncertain significance for Inborn genetic diseases. Last evaluated: 2025-11-23. Review status: criteria provided, single submitter. Criteria: Ambry Variant Classification Scheme 2023. Collection method: clinical testing. Allele origin: germline.

Neuberg Centre For Genomic Medicine, NCGM
Classification: Uncertain significance for Landau-Kleffner syndrome. Review status: criteria provided, single submitter. Criteria: ACMG Guidelines, 2015. Collection method: clinical testing. Allele origin: germline. Inheritance: Autosomal dominant inheritance. Affected: yes.
Comment: The missense c.92C>G (p.Pro31Arg) variant in GRIN2A gene has not been previously reported as a pathogenic variant nor as a benign variant, to our knowledge. The p.Pro31Arg variant is absent in gnomAD Exomes. This variant has not been submitted to the ClinVar database. The amino acid change p.Pro31Arg in GRIN2A is predicted as conserved by GERP++ and PhyloP across 100 vertebrates. The amino acid Pro at position 31 is changed to a Arg changing protein sequence and it might alter its composition and physico-chemical properties. For these reasons, this variant has been classified as Variant of Uncertain Significance (VUS).